The following is an entry in ClinVar:

NM_000051.4(ATM):c.8677_8685del (p.Ala2893_Glu2895del)

Genes: ATM (ATM serine/threonine kinase; plus strand), C11orf65 (chromosome 11 open reading frame 65; minus strand). Cytogenetic location: 11q22.3.
Variant type: Deletion.
Coding change: c.8677_8685del on transcript NM_000051.4 (MANE Select); coding-DNA positions 8677 to 8685, 9 bases deleted (GCTTTTGAA; older notation c.8677_8685delGCTTTTGAA).
Protein change: p.Ala2893_Glu2895del.
Molecular consequence: inframe deletion. On other transcripts: intron variant (2).
Genome position (GRCh38, 1-based): chr11:108,353,771-108,353,779, GCTTTTGAA deleted. VCF-style (leftmost placement, unchanged base first): chr11-108353770-TGCTTTTGAA-T. GRCh37 (hg19) VCF-style: chr11-108224497-TGCTTTTGAA-T.
Other names: c.8677_8685del, p.Ala2893_Glu2895del (NM_001351834.2); c.640+32141_640+32149del (NM_001330368.2); c.695-18487_695-18479del (NM_001351110.2).
Identifiers: ClinVar variation 1407396 (VCV001407396.7), dbSNP rs2137285531, ClinGen allele CA2573146543.
Genomic context (GRCh38, chr11:108,353,770, plus strand): 5'-GAAAGAAAGTAAATTAGCTGTCAAACCTCCTAACTTCACTGTATTCTTTACTTTAGGTGT[TGCTTTTGAA>T]CAGGGCAAAATCCTTCCTACTCCTGAGACAGTTCCTTTTAGACTCACCAGAGATATTGTG-3'

ClinVar aggregate classification (germline): Uncertain significance (1 of 4 stars; one submission).

Conditions:
Ataxia-telangiectasia syndrome (AT). Also called: Ataxia-telangiectasia; LOUIS-BAR SYNDROME; Ataxia-telangiectasia, complementation group D; AT, COMPLEMENTATION GROUP C; ATAXIA-TELANGIECTASIA, COMPLEMENTATION GROUP A; ATAXIA-TELANGIECTASIA, FRESNO VARIANT. Identifiers: Orphanet 100, MedGen C0004135, MONDO:0008840, OMIM 208900.

Submission:

Labcorp Genetics (formerly Invitae), Labcorp
Classification: Uncertain significance for Ataxia-telangiectasia syndrome. Last evaluated: 2021-07-26. Review status: criteria provided, single submitter. Criteria: Invitae Variant Classification Sherloc (09022015). Collection method: clinical testing. Allele origin: germline.
Comment: This variant, c.8677_8685del, results in the deletion of 3 amino acid(s) of the ATM protein (p.Ala2893_Glu2895del), but otherwise preserves the integrity of the reading frame. This variant is not present in population databases (ExAC no frequency). This variant has not been reported in the literature in individuals affected with ATM-related conditions. Experimental studies and prediction algorithms are not available or were not evaluated, and the functional significance of this variant is currently unknown. In summary, the available evidence is currently insufficient to determine the role of this variant in disease. Therefore, it has been classified as a Variant of Uncertain Significance.